The following is an entry in ClinVar:

NM_002772.3(TMPRSS15):c.1403C>A (p.Thr468Asn)

Gene: TMPRSS15 (transmembrane serine protease 15; minus strand). Cytogenetic location: 21q21.1.
Variant type: single nucleotide variant.
Coding change: c.1403C>A on transcript NM_002772.3 (MANE Select); coding-DNA position 1403, C replaced by A.
Protein change: p.Thr468Asn; replaces threonine 468 with asparagine.
Molecular consequence: missense variant.
Genome position (GRCh38, 1-based): chr21:18,343,531, G>T on the plus strand (C>A on the coding strand, the complement: TMPRSS15 is on the minus strand). VCF-style: chr21-18343531-G-T. GRCh37 (hg19) VCF-style: chr21-19715848-G-T.
Other names: c.1403C>A (NM_002772.2); short protein forms T468N.
Identifiers: ClinVar variation 2100397 (VCV002100397.3), dbSNP rs750810304, ClinGen allele CA9984444.

ClinVar aggregate classification (germline): Uncertain significance. Review status: criteria provided, multiple submitters, no conflicts (2 of 4 stars). 2 submissions from 2 submitters: Uncertain significance (2). Last evaluated 2024-02-23.

Allele frequency attached by ClinVar (database versions not stated): TOPMed 0.00001; ExAC 0.00002; gnomAD 0.00004.
gnomAD v4.1: 15 of 1,611,888 alleles (0.00093%); highest among the groups gnomAD compares: South Asian, 0.012%; no homozygotes.

Submissions (2):

Labcorp Genetics (formerly Invitae), Labcorp
Classification: Uncertain significance. Last evaluated: 2024-02-23. Review status: criteria provided, single submitter. Criteria: Invitae Variant Classification Sherloc (09022015). Collection method: clinical testing. Allele origin: germline.
Comment: This sequence change replaces threonine, which is neutral and polar, with asparagine, which is neutral and polar, at codon 468 of the TMPRSS15 protein (p.Thr468Asn). This variant is present in population databases (rs750810304, gnomAD 0.02%). This variant has not been reported in the literature in individuals affected with TMPRSS15-related conditions. ClinVar contains an entry for this variant (Variation ID: 2100397). An algorithm developed to predict the effect of missense changes on protein structure and function (PolyPhen-2) suggests that this variant is likely to be disruptive. In summary, the available evidence is currently insufficient to determine the role of this variant in disease. Therefore, it has been classified as a Variant of Uncertain Significance.

Ambry Genetics
Classification: Uncertain significance. Last evaluated: 2024-01-08. Review status: criteria provided, single submitter. Criteria: Ambry Variant Classification Scheme 2023. Collection method: clinical testing. Allele origin: germline.